The following is an entry in ClinVar:

NM_001109809.5(ZFP57):c.288G>C (p.Lys96Asn)

Gene: ZFP57 (ZFP57 zinc finger protein; minus strand). Cytogenetic location: 6p22.1.
Variant type: single nucleotide variant.
Coding change: c.288G>C on transcript NM_001109809.5 (MANE Select); coding-DNA position 288, G replaced by C.
Protein change: p.Lys96Asn; replaces lysine 96 with asparagine.
Molecular consequence: missense variant.
Genome position (GRCh38, 1-based): chr6:29,675,450, C>G on the plus strand (G>C on the coding strand, the complement: ZFP57 is on the minus strand). VCF-style: chr6-29675450-C-G. GRCh37 (hg19) VCF-style: chr6-29643227-C-G.
Other names: c.72G>C, p.Lys24Asn (NM_001366333.2); short protein forms K24N, K96N.
Identifiers: ClinVar variation 917453 (VCV000917453.1), dbSNP rs745602868, ClinGen allele CA363049198.

ClinVar aggregate classification (germline): Uncertain significance (1 of 4 stars; one submission).

Conditions:
Monogenic diabetes. Identifiers: Orphanet 183625, MedGen C3888631, MONDO:0015967.

Submission:

Personalized Diabetes Medicine Program, University of Maryland School of Medicine
Classification: Uncertain significance for Monogenic diabetes. Last evaluated: 2018-01-26. Review status: criteria provided, single submitter. Criteria: ACMG Guidelines, 2015. Collection method: research. Allele origin: unknown. Observed: 1 variant allele, 1 heterozygote.
Comment: ACMG criteria: BP4 (9 predictors), PM2 (absent db), PM1 (KRAB domain (transcriptional repression))=VUS Disorder is Autosomal Recessive